The following is an entry in ClinVar:

ClinVar aggregate classification (germline): Uncertain significance (1 of 4 stars; one submission).

Conditions:
Retinoblastoma (RB1). Also called: RETINOBLASTOMA, SOMATIC. Identifiers: Orphanet 790, MedGen C0035335, MeSH D012175, MONDO:0008380, OMIM 180200, HP:0009919. Disease mechanism: loss of function. Inheritance: Both sporadic and heritable forms are tested..

Submission:

Labcorp Genetics (formerly Invitae), Labcorp
Classification: Uncertain significance for Retinoblastoma. Last evaluated: 2025-03-05. Review status: criteria provided, single submitter. Criteria: Invitae Variant Classification Sherloc (09022015). Collection method: clinical testing. Allele origin: germline.
Comment: This variant occurs in a non-coding region of the RB1 gene. It does not change the encoded amino acid sequence of the RB1 protein. This variant is present in population databases (no rsID available, gnomAD 0.01%). This variant has not been reported in the literature in individuals affected with RB1-related conditions. In summary, the available evidence is currently insufficient to determine the role of this variant in disease. Therefore, it has been classified as a Variant of Uncertain Significance.

NM_000321.3(RB1):c.-10G>A

Gene: RB1 (RB transcriptional corepressor 1; plus strand). Cytogenetic location: 13q14.2.
Variant type: single nucleotide variant.
Coding change: c.-10G>A on transcript NM_000321.3 (MANE Select); 10 bases upstream of the start codon, G replaced by A.
Molecular consequence: 5 prime UTR variant.
Genome position (GRCh38, 1-based): chr13:48,303,903, G>A. VCF-style: chr13-48303903-G-A. GRCh37 (hg19) VCF-style: chr13-48878039-G-A.
Other names: c.-10G>A (NM_001407165.1, NM_001407166.1, NM_001407167.1).
Identifiers: ClinVar variation 4741022 (VCV004741022.1).